The following is an entry in ClinVar:

ClinVar aggregate classification (germline): Uncertain significance (1 of 4 stars; one submission).

gnomAD v4.1: 1 of 1,612,608 alleles (0.000062%); highest among the groups gnomAD compares: Admixed American, 0.0017%; no homozygotes.

Submission:

GeneDx
Classification: Uncertain significance. Last evaluated: 2023-11-11. Review status: criteria provided, single submitter. Criteria: GeneDx Variant Classification Process June 2021. Collection method: clinical testing. Allele origin: germline. Affected: yes.
Comment: Not observed at significant frequency in large population cohorts (gnomAD); In silico analysis supports that this missense variant has a deleterious effect on protein structure/function; Has not been previously published as pathogenic or benign to our knowledge

NM_003737.4(DCHS1):c.6495C>A (p.Asn2165Lys)

Gene: DCHS1 (dachsous cadherin-related 1; minus strand). Cytogenetic location: 11p15.4.
Variant type: single nucleotide variant.
Coding change: c.6495C>A on transcript NM_003737.4 (MANE Select); coding-DNA position 6495, C replaced by A.
Protein change: p.Asn2165Lys; replaces asparagine 2165 with lysine.
Molecular consequence: missense variant.
Genome position (GRCh38, 1-based): chr11:6,626,250, G>T on the plus strand (C>A on the coding strand, the complement: DCHS1 is on the minus strand). VCF-style: chr11-6626250-G-T. GRCh37 (hg19) VCF-style: chr11-6647481-G-T.
Other names: short protein forms N2165K.
Identifiers: ClinVar variation 3364285 (VCV003364285.1).
Genomic context (GRCh38, chr11:6,626,250, plus strand): 5'-GGGCCGGGACTCAGGAAGGAAGGCCACATAATGGGGCCGCAGGAAACGGGGAGCATTGTC[G>T]TTGGCATCTTGCAGGGTCAGGGTCAGCACAGTGAAGGCAAAGGCTCCTCCACTCTCTGCC-3'
Protein context (NP_003728.1, residues 2155-2175): TVLTLTLQDA[Asn2165Lys]DNAPRFLRPH